The following is an entry in ClinVar:

NM_001942.4(DSG1):c.1406A>G (p.Asp469Gly)

Gene: DSG1 (desmoglein 1; plus strand). Cytogenetic location: 18q12.1.
Variant type: single nucleotide variant.
Coding change: c.1406A>G on transcript NM_001942.4 (MANE Select); coding-DNA position 1406, A replaced by G.
Protein change: p.Asp469Gly; replaces aspartic acid 469 with glycine.
Molecular consequence: missense variant.
Genome position (GRCh38, 1-based): chr18:31,339,744, A>G. VCF-style: chr18-31339744-A-G. GRCh37 (hg19) VCF-style: chr18-28919707-A-G.
Other names: short protein forms D469G.
Identifiers: ClinVar variation 2869858 (VCV002869858.3), dbSNP rs1205368557, ClinGen allele CA402136815.
Genomic context (GRCh38, chr18:31,339,744, plus strand): 5'-GTCCAACCATTCCTACACTAAATGTCTAAAATATTTCTTCCATTTTGAACGTTATTACAG[A>G]TAATCTTCAAAGAACTTGCACTGGTACAATTAATATTAACATTCAAAGTTTTGGTAATGA-3'
Protein context (NP_001933.2, residues 459-479): KYQGTILSID[Asp469Gly]NLQRTCTGTI

ClinVar aggregate classification (germline): Uncertain significance (1 of 4 stars; one submission).

Allele frequency attached by ClinVar (database versions not stated): TOPMed below 0.00001; gnomAD 0.00001.
gnomAD v4.1: 1 of 1,607,044 alleles (0.000062%); highest among the groups gnomAD compares: Non-Finnish European, 0.000085%; no homozygotes.

Submission:

Labcorp Genetics (formerly Invitae), Labcorp
Classification: Uncertain significance. Last evaluated: 2023-08-06. Review status: criteria provided, single submitter. Criteria: Invitae Variant Classification Sherloc (09022015). Collection method: clinical testing. Allele origin: germline.
Comment: This sequence change replaces aspartic acid, which is acidic and polar, with glycine, which is neutral and non-polar, at codon 469 of the DSG1 protein (p.Asp469Gly). This variant is not present in population databases (gnomAD no frequency). This variant has not been reported in the literature in individuals affected with DSG1-related conditions. An algorithm developed to predict the effect of missense changes on protein structure and function (PolyPhen-2) suggests that this variant is likely to be disruptive. In summary, the available evidence is currently insufficient to determine the role of this variant in disease. Therefore, it has been classified as a Variant of Uncertain Significance.